The following is an entry in ClinVar:

ClinVar aggregate classification (germline): Uncertain significance (1 of 4 stars; one submission).

Submission:

Labcorp Genetics (formerly Invitae), Labcorp
Classification: Uncertain significance. Last evaluated: 2023-11-27. Review status: criteria provided, single submitter. Criteria: Invitae Variant Classification Sherloc (09022015). Collection method: clinical testing. Allele origin: germline.
Comment: This sequence change replaces arginine, which is basic and polar, with proline, which is neutral and non-polar, at codon 1230 of the GRIN2D protein (p.Arg1230Pro). The frequency data for this variant in the population databases is considered unreliable, as metrics indicate insufficient coverage at this position in the gnomAD database. This variant has not been reported in the literature in individuals affected with GRIN2D-related conditions. ClinVar contains an entry for this variant (Variation ID: 1721586). Advanced modeling of protein sequence and biophysical properties (such as structural, functional, and spatial information, amino acid conservation, physicochemical variation, residue mobility, and thermodynamic stability) performed at Invitae indicates that this missense variant is not expected to disrupt GRIN2D protein function with a negative predictive value of 95%. In summary, the available evidence is currently insufficient to determine the role of this variant in disease. Therefore, it has been classified as a Variant of Uncertain Significance.

NM_000836.4(GRIN2D):c.3689G>C (p.Arg1230Pro)

Gene: GRIN2D (glutamate ionotropic receptor NMDA type subunit 2D; plus strand). Cytogenetic location: 19q13.33.
Variant type: single nucleotide variant.
Coding change: c.3689G>C on transcript NM_000836.4 (MANE Select); coding-DNA position 3689, G replaced by C.
Protein change: p.Arg1230Pro; replaces arginine 1230 with proline.
Molecular consequence: missense variant.
Genome position (GRCh38, 1-based): chr19:48,443,615, G>C. VCF-style: chr19-48443615-G-C. GRCh37 (hg19) VCF-style: chr19-48946872-G-C.
Other names: short protein forms R1230P.
Identifiers: ClinVar variation 1721586 (VCV001721586.5), dbSNP rs2513693864, ClinGen allele CA406677562.
Genomic context (GRCh38, chr19:48,443,615, plus strand): 5'-CGCCTCCACCCTGGGCCGCCGGGCCCCTGCCCCGACGCCGGGCCCGCTGCGGGTGCCCGC[G>C]GTCGCACCCGCACCGCCCGCGGGCCTCGCACCGCACGCCCGCCGCCGCCGCGCCCCACCA-3'
Protein context (NP_000827.2, residues 1220-1240): PRRRARCGCP[Arg1230Pro]SHPHRPRASH